The following is an entry in ClinVar:

NM_000390.4(CHM):c.29A>G (p.Asp10Gly)

Gene: CHM (CHM Rab escort protein; minus strand). Cytogenetic location: Xq21.2.
Variant type: single nucleotide variant.
Coding change: c.29A>G on transcript NM_000390.4 (MANE Select); coding-DNA position 29, A replaced by G.
Protein change: p.Asp10Gly; replaces aspartic acid 10 with glycine.
Molecular consequence: missense variant.
Genome position (GRCh38, 1-based): chrX:86,047,504, T>C on the plus strand (A>G on the coding strand, the complement: CHM is on the minus strand). VCF-style: chrX-86047504-T-C. GRCh37 (hg19) VCF-style: chrX-85302508-T-C.
Other names: c.29A>G, p.Asp10Gly (NM_001145414.4); short protein forms D10G.
Identifiers: ClinVar variation 989637 (VCV000989637.35), dbSNP rs138374611, ClinGen allele CA10465687.
Genomic context (GRCh38, chrX:86,047,504, plus strand): 5'-CTTCCTAAACTTTGTCCAGGAAGCACCAGGCTACACATACCCGTCCCTATTACGATCACA[T>C]CAAACTCCGAAGGGAGAGTATCCGCCATCTTGACGGGAAACGTGTCATGTGACTATTACT-3'
Protein context (NP_000381.1, residues 1-20): MADTLPSEF[Asp10Gly]VIVIGTGLPE

ClinVar aggregate classification (germline): Benign/Likely benign. Review status: criteria provided, multiple submitters, no conflicts (2 of 4 stars). 4 submissions from 4 submitters: Benign (1); Likely benign (2). 1 of the submissions does not count toward it. Last evaluated 2026-01-13.

Conditions:
Choroideremia. Also called: Chorioretinal scalloped atrophy. Identifiers: Orphanet 180, MedGen C0008525, MONDO:0010557, OMIM 303100, HP:0001139.

Allele frequency attached by ClinVar (database versions not stated): ESP Exome Variant Server 0.00019; TOPMed 0.00022; gnomAD exomes 0.00023 and 0.00038; ExAC 0.00034; gnomAD 0.00041 and 0.00042.
gnomAD v4.1: 287 of 1,206,948 alleles (0.024%); highest among the groups gnomAD compares: Non-Finnish European, 0.021%; no homozygotes.

Submissions (7):

Labcorp Genetics (formerly Invitae), Labcorp
Classification: Benign. Last evaluated: 2026-01-13. Review status: criteria provided, single submitter. Criteria: Invitae Variant Classification Sherloc (09022015). Collection method: clinical testing. Allele origin: germline.

Blueprint Genetics
Classification: Likely benign. Last evaluated: 2024-09-30. Review status: criteria provided, single submitter. Criteria: ACMG Guidelines, 2015. Collection method: clinical testing. Allele origin: germline.

CeGaT Center for Human Genetics Tuebingen
Classification: Likely benign. Last evaluated: 2022-08-01. Review status: criteria provided, single submitter. Criteria: CeGaT Center For Human Genetics Tuebingen Variant Classification Criteria Version 2. Collection method: clinical testing. Allele origin: germline. Affected: yes. Observed: 1 variant allele.
Comment: CHM: BS2

Natera, Inc.
Classification: Benign for Choroideremia. Last evaluated: 2020-08-12. Review status: no assertion criteria provided. Collection method: clinical testing. Allele origin: germline. Not counted in ClinVar's aggregate classification.

Dr. Peter K. Rogan Lab, Western University
No classification provided (evidence only). Condition: Lung cancer. Review status: no classification provided. Collection method: in vitro. Allele origin: not applicable. Functional consequence: retained intron. Not counted in ClinVar's aggregate classification.

Dr. Peter K. Rogan Lab, Western University
No classification provided (evidence only). Condition: Cervical cancer. Review status: no classification provided. Collection method: in vitro. Allele origin: not applicable. Functional consequence: retained intron. Not counted in ClinVar's aggregate classification.

Dr. Peter K. Rogan Lab, Western University
No classification provided (evidence only). Condition: Gastric cancer. Review status: no classification provided. Collection method: in vitro. Allele origin: not applicable. Functional consequence: retained intron. Not counted in ClinVar's aggregate classification.